The following is an entry in ClinVar:

ClinVar aggregate classification (germline): Uncertain significance. Review status: criteria provided, multiple submitters, no conflicts (2 of 4 stars). 4 submissions from 4 submitters: Uncertain significance (4). Last evaluated 2025-08-12.

Conditions:
Familial thoracic aortic aneurysm and aortic dissection (TAAD). Also called: Thoracic aortic aneurysms and dissections. Identifiers: Orphanet 91387, MedGen C4707243, MONDO:0019625.
Arterial tortuosity syndrome (ATORS). Identifiers: Orphanet 3342, MedGen C1859726, MONDO:0008818, OMIM 208050.

Allele frequency attached by ClinVar (database versions not stated): ExAC 0.00001; gnomAD exomes 0.00001; gnomAD 0.00002.
gnomAD v4.1: 27 of 1,614,020 alleles (0.0017%); highest among the groups gnomAD compares: Non-Finnish European, 0.0023%; no homozygotes.

Submissions (4):

Labcorp Genetics (formerly Invitae), Labcorp
Classification: Uncertain significance for Arterial tortuosity syndrome. Last evaluated: 2025-08-12. Review status: criteria provided, single submitter. Criteria: Invitae Variant Classification Sherloc (09022015). Collection method: clinical testing. Allele origin: germline.
Comment: This sequence change replaces arginine, which is basic and polar, with histidine, which is basic and polar, at codon 534 of the SLC2A10 protein (p.Arg534His). This variant is present in population databases (rs746480018, gnomAD 0.002%). This variant has not been reported in the literature in individuals affected with SLC2A10-related conditions. ClinVar contains an entry for this variant (Variation ID: 578495). Invitae Evidence Modeling of protein sequence and biophysical properties (such as structural, functional, and spatial information, amino acid conservation, physicochemical variation, residue mobility, and thermodynamic stability) has been performed for this missense variant. However, the output from this modeling did not meet the statistical confidence thresholds required to predict the impact of this variant on SLC2A10 protein function. In summary, the available evidence is currently insufficient to determine the role of this variant in disease. Therefore, it has been classified as a Variant of Uncertain Significance.

Women's Health and Genetics/Laboratory Corporation of America, LabCorp
Classification: Uncertain significance. Last evaluated: 2025-07-05. Review status: criteria provided, single submitter. Criteria: LabCorp Variant Classification Summary - May 2015. Collection method: clinical testing. Allele origin: germline.

Ambry Genetics
Classification: Uncertain significance for Familial thoracic aortic aneurysm and aortic dissection. Last evaluated: 2024-10-25. Review status: criteria provided, single submitter. Criteria: Ambry Variant Classification Scheme 2023. Collection method: clinical testing. Allele origin: germline.
Comment: The p.R534H variant (also known as c.1601G>A), located in coding exon 5 of the SLC2A10 gene, results from a G to A substitution at nucleotide position 1601. The arginine at codon 534 is replaced by histidine, an amino acid with highly similar properties. This amino acid position is well conserved in available vertebrate species. In addition, this alteration is predicted to be tolerated by in silico analysis. Based on the available evidence, the clinical significance of this variant remains unclear.

CeGaT Center for Human Genetics Tuebingen
Classification: Uncertain significance. Last evaluated: 2016-11-01. Review status: criteria provided, single submitter. Criteria: CeGaT Center For Human Genetics Tuebingen Variant Classification Criteria Version 2. Collection method: clinical testing. Allele origin: germline. Affected: yes. Observed: 1 variant allele.

NM_030777.4(SLC2A10):c.1601G>A (p.Arg534His)

Gene: SLC2A10 (solute carrier family 2 member 10; plus strand). Cytogenetic location: 20q13.12.
Variant type: single nucleotide variant.
Coding change: c.1601G>A on transcript NM_030777.4 (MANE Select); coding-DNA position 1601, G replaced by A.
Protein change: p.Arg534His; replaces arginine 534 with histidine.
Molecular consequence: missense variant.
Genome position (GRCh38, 1-based): chr20:46,733,809, G>A. VCF-style: chr20-46733809-G-A. GRCh37 (hg19) VCF-style: chr20-45362448-G-A.
Other names: short protein forms R534H.
Identifiers: ClinVar variation 578495 (VCV000578495.50), dbSNP rs746480018, ClinGen allele CA9892273.